The following is an entry in ClinVar:

NM_006662.3(SRCAP):c.1643A>G (p.Asp548Gly)

Gene: SRCAP (Snf2 related CREBBP activator protein; plus strand). Cytogenetic location: 16p11.2.
Variant type: single nucleotide variant.
Coding change: c.1643A>G on transcript NM_006662.3 (MANE Select); coding-DNA position 1643, A replaced by G.
Protein change: p.Asp548Gly; replaces aspartic acid 548 with glycine.
Molecular consequence: missense variant.
Genome position (GRCh38, 1-based): chr16:30,711,985, A>G. VCF-style: chr16-30711985-A-G. GRCh37 (hg19) VCF-style: chr16-30723306-A-G.
Other names: short protein forms D548G.
Identifiers: ClinVar variation 1693424 (VCV001693424.5), dbSNP rs1458268227, ClinGen allele CA395604893.

ClinVar aggregate classification (germline): Uncertain significance. Review status: criteria provided, multiple submitters, no conflicts (2 of 4 stars). 2 submissions from 2 submitters: Uncertain significance (2). Last evaluated 2024-01-13.

Allele frequency attached by ClinVar (database versions not stated): TOPMed 0.00002.

Submissions (2):

Labcorp Genetics (formerly Invitae), Labcorp
Classification: Uncertain significance. Last evaluated: 2024-01-13. Review status: criteria provided, single submitter. Criteria: Invitae Variant Classification Sherloc (09022015). Collection method: clinical testing. Allele origin: germline.
Comment: This sequence change replaces aspartic acid, which is acidic and polar, with glycine, which is neutral and non-polar, at codon 548 of the SRCAP protein (p.Asp548Gly). This variant is not present in population databases (gnomAD no frequency). This variant has not been reported in the literature in individuals affected with SRCAP-related conditions. ClinVar contains an entry for this variant (Variation ID: 1693424). Advanced modeling of protein sequence and biophysical properties (such as structural, functional, and spatial information, amino acid conservation, physicochemical variation, residue mobility, and thermodynamic stability) performed at Invitae indicates that this missense variant is not expected to disrupt SRCAP protein function with a negative predictive value of 80%. In summary, the available evidence is currently insufficient to determine the role of this variant in disease. Therefore, it has been classified as a Variant of Uncertain Significance.

GeneDx
Classification: Uncertain significance. Last evaluated: 2022-01-04. Review status: criteria provided, single submitter. Criteria: GeneDx Variant Classification Process June 2021. Collection method: clinical testing. Allele origin: germline. Affected: yes.
Comment: Not observed at significant frequency in large population cohorts (gnomAD); In silico analysis supports that this missense variant has a deleterious effect on protein structure/function; Has not been previously published as pathogenic or benign to our knowledge